The following is an entry in ClinVar:

NM_003072.5(SMARCA4):c.3216-17C>T

Gene: SMARCA4 (SWI/SNF related BAF chromatin remodeling complex subunit ATPase 4; plus strand). Cytogenetic location: 19p13.2.
Variant type: single nucleotide variant.
Coding change: c.3216-17C>T on transcript NM_003072.5 (MANE Select); 17 bases into the intron before coding-DNA position 3216, C replaced by T.
Molecular consequence: intron variant.
Genome position (GRCh38, 1-based): chr19:11,027,767, C>T. VCF-style: chr19-11027767-C-T. GRCh37 (hg19) VCF-style: chr19-11138443-C-T.
Other names: c.3216-17C>T (NM_001128844.3, NM_001128849.3, NM_001128847.4 and 5 more transcripts).
Identifiers: ClinVar variation 1633457 (VCV001633457.9), dbSNP rs371137806, ClinGen allele CA9204376.
Genomic context (GRCh38, chr19:11,027,767, plus strand): 5'-CACCTCCTGCCTTACCTGCCTGCAGGGTTCCAGGTTTAACATCCTGCGCCTTCTCTCCTG[C>T]CTCCTCCACACTCCAGGCTGGACCTGTACCGAGCCTCGGGTAAATTTGAGCTTCTTGATA-3'

ClinVar aggregate classification (germline): Likely benign. Review status: criteria provided, multiple submitters, no conflicts (2 of 4 stars). 2 submissions from 2 submitters: Likely benign (2). Last evaluated 2026-07-07.

Conditions:
Rhabdoid tumor predisposition syndrome 2 (RTPS2). Identifiers: Orphanet 231108, Orphanet 69077, MedGen C2750074, MONDO:0013224, OMIM 613325.

Allele frequency attached by ClinVar (database versions not stated): gnomAD exomes 0.00004 and 0.00002; gnomAD 0.00009 and 0.00011; ExAC 0.00004; TOPMed 0.00013; ESP Exome Variant Server 0.00015.
gnomAD v4.1: 28 of 1,613,738 alleles (0.0017%); highest among the groups gnomAD compares: African/African-American, 0.029%; no homozygotes.

Submissions (2):

Myriad Genetics, Inc.
Classification: Likely benign for Rhabdoid tumor predisposition syndrome 2. Last evaluated: 2026-07-07. Review status: criteria provided, single submitter. Criteria: Myriad Autosomal Dominant, Autosomal Recessive and X-Linked Classification Criteria (2023). Collection method: clinical testing. Allele origin: unknown.
Comment: This variant is considered likely benign. This variant is intronic and is not expected to impact mRNA splicing.

Labcorp Genetics (formerly Invitae), Labcorp
Classification: Likely benign for Rhabdoid tumor predisposition syndrome 2. Last evaluated: 2025-12-21. Review status: criteria provided, single submitter. Criteria: Invitae Variant Classification Sherloc (09022015). Collection method: clinical testing. Allele origin: germline.